The following is an entry in ClinVar:

ClinVar aggregate classification (germline): Pathogenic (1 of 4 stars; one submission).

Conditions:
Primary ciliary dyskinesia 3. Identifiers: Orphanet 244, MedGen C1837618, MONDO:0012085, OMIM 608644.

Submission:

Myriad Genetics, Inc.
Classification: Pathogenic for Primary ciliary dyskinesia 3. Last evaluated: 2024-05-14. Review status: criteria provided, single submitter. Criteria: Myriad Autosomal Dominant, Autosomal Recessive and X-Linked Classification Criteria (2023). Collection method: clinical testing. Allele origin: unknown.
Comment: NM_001369.2(DNAH5):c.9981_9982ins14(L3328Sfs*15) is expected to be pathogenic in the context of primary ciliary dyskinesia, DNAH5-related. This variant is predicted to lead to an abnormal or absent protein product due to the creation of a premature termination codon in DNAH5, a gene where loss-of-function variants are known to be pathogenic. Please note: this variant was assessed in the context of healthy population screening.

NM_001369.3(DNAH5):c.9981_9982insTCTCTTATACACAT (p.Leu3328fs)

Gene: DNAH5 (dynein axonemal heavy chain 5; minus strand). Cytogenetic location: 5p15.2.
Variant type: Insertion.
Coding change: c.9981_9982insTCTCTTATACACAT on transcript NM_001369.3 (MANE Select); coding-DNA positions 9981 to 9982, TCTCTTATACACAT inserted.
Protein change: p.Leu3328fs; shifts the reading frame from leucine 3328.
Molecular consequence: frameshift variant.
Genome position: GRCh38 VCF-style: chr5-13766095-G-GATGTGTATAAGAGA. GRCh37 (hg19) VCF-style: chr5-13766204-G-GATGTGTATAAGAGA.
Other names: short protein forms L3328fs.
Identifiers: ClinVar variation 5010472 (VCV005010472.1).